The following is an entry in ClinVar:

ClinVar aggregate classification (germline): Uncertain significance (1 of 4 stars; one submission).

Submission:

Ambry Genetics
Classification: Uncertain significance. Last evaluated: 2024-12-14. Review status: criteria provided, single submitter. Criteria: Ambry Variant Classification Scheme 2023. Collection method: clinical testing. Allele origin: germline.
Comment: The p.C796Y variant (also known as c.2387G>A), located in coding exon 13 of the GEN1 gene, results from a G to A substitution at nucleotide position 2387. The cysteine at codon 796 is replaced by tyrosine, an amino acid with highly dissimilar properties. This amino acid position is conserved. In addition, this alteration is predicted to be deleterious by in silico analysis. Based on the available evidence, the clinical significance of this variant remains unclear.

NM_001130009.3(GEN1):c.2387G>A (p.Cys796Tyr)

Gene: GEN1 (GEN1 Holliday junction 5' flap endonuclease; plus strand). Cytogenetic location: 2p24.2.
Variant type: single nucleotide variant.
Coding change: c.2387G>A on transcript NM_001130009.3 (MANE Select); coding-DNA position 2387, G replaced by A.
Protein change: p.Cys796Tyr; replaces cysteine 796 with tyrosine.
Molecular consequence: missense variant.
Genome position (GRCh38, 1-based): chr2:17,781,599, G>A. VCF-style: chr2-17781599-G-A. GRCh37 (hg19) VCF-style: chr2-17962866-G-A.
Other names: c.2387G>A, p.Cys796Tyr (NM_182625.5); short protein forms C796Y.
Identifiers: ClinVar variation 3853427 (VCV003853427.1).